The following is an entry in ClinVar:

NM_000536.4(RAG2):c.998G>A (p.Gly333Glu)

Gene: RAG2 (recombination activating 2; minus strand). Cytogenetic location: 11p12.
Variant type: single nucleotide variant.
Coding change: c.998G>A on transcript NM_000536.4 (MANE Select); coding-DNA position 998, G replaced by A.
Protein change: p.Gly333Glu; replaces glycine 333 with glutamic acid.
Molecular consequence: missense variant.
Genome position (GRCh38, 1-based): chr11:36,593,171, C>T on the plus strand (G>A on the coding strand, the complement: RAG2 is on the minus strand). VCF-style: chr11-36593171-C-T. GRCh37 (hg19) VCF-style: chr11-36614721-C-T.
Other names: c.998G>A, p.Gly333Glu (NM_001243785.2, NM_001243786.2); short protein forms G333E.
Identifiers: ClinVar variation 2103707 (VCV002103707.4), dbSNP rs1225022831, ClinGen allele CA380141421.
Genomic context (GRCh38, chr11:36,593,171, plus strand): 5'-TCTTCAGCACATTTCAACATATAGAAATAGAATCCTTCTGAAACAACTTGTTTATTGTCT[C>T]CTGGTATGCCAAGAAAAACAGTTCCATTTCCCATGTTGCTTCCAAACCATATCTTGCTGT-3'
Protein context (NP_000527.2, residues 323-343): GNGTVFLGIP[Gly333Glu]DNKQVVSEGF

ClinVar aggregate classification (germline): Uncertain significance (1 of 4 stars; one submission).

Conditions:
Combined immunodeficiency with skin granulomas. Identifiers: Orphanet 157949, MedGen C2673536, MONDO:0009306, OMIM 233650.
Severe combined immunodeficiency, autosomal recessive, T cell-negative, B cell-negative, NK cell-positive. Also called: SCID, AR, T-cell negative, B-cell negative, NK cell-positive; SCID, T CELL-NEGATIVE, B CELL-NEGATIVE, NK CELL-POSITIVE; Severe combined immunodeficiency due to complete RAG1/2 deficiency. Identifiers: Orphanet 331206, MedGen C1832322, MONDO:0011086, OMIM 601457.

Submission:

Labcorp Genetics (formerly Invitae), Labcorp
Classification: Uncertain significance for Combined immunodeficiency with skin granulomas; Severe combined immunodeficiency, autosomal recessive, T cell-negative, B cell-negative, NK cell-positive. Last evaluated: 2022-02-25. Review status: criteria provided, single submitter. Criteria: Invitae Variant Classification Sherloc (09022015). Collection method: clinical testing. Allele origin: germline.
Comment: In summary, the available evidence is currently insufficient to determine the role of this variant in disease. Therefore, it has been classified as a Variant of Uncertain Significance. Advanced modeling of protein sequence and biophysical properties (such as structural, functional, and spatial information, amino acid conservation, physicochemical variation, residue mobility, and thermodynamic stability) performed at Invitae indicates that this missense variant is expected to disrupt RAG2 protein function. This variant has not been reported in the literature in individuals affected with RAG2-related conditions. The frequency data for this variant in the population databases is considered unreliable, as metrics indicate poor data quality at this position in the gnomAD database. This sequence change replaces glycine, which is neutral and non-polar, with glutamic acid, which is acidic and polar, at codon 333 of the RAG2 protein (p.Gly333Glu).